The following is an entry in ClinVar:

ClinVar aggregate classification (germline): Benign/Likely benign. Review status: criteria provided, multiple submitters, no conflicts (2 of 4 stars). 6 submissions from 6 submitters: Benign (2); Likely benign (3). 1 of the submissions does not count toward it. Last evaluated 2026-01-28.

Conditions:
Isolated cryptophthalmia. Also called: Cryptophthalmos, unilateral or bilateral, isolated; ANKYLOBLEPHARON, SIMPLE. Identifiers: Orphanet 91396, MedGen C1852453, MONDO:0007410, OMIM 123570.
Fraser syndrome 2 (FRASRS2). Identifiers: MedGen C4540036, MONDO:0054738, OMIM 617666.
FREM2-related disorder. Also called: FREM2-related condition.

Allele frequency attached by ClinVar (database versions not stated): gnomAD exomes 0.00061 and 0.00025; ExAC 0.00071; 1000 Genomes Project 30x 0.00156; 1000 Genomes Project 0.00160; gnomAD 0.00255 and 0.00276; ESP Exome Variant Server 0.00269; TOPMed 0.00309.
gnomAD v4.1: 780 of 1,614,198 alleles (0.048%); highest among the groups gnomAD compares: African/African-American, 0.9%; 5 homozygotes.

Submissions (6):

Labcorp Genetics (formerly Invitae), Labcorp
Classification: Benign. Last evaluated: 2026-01-28. Review status: criteria provided, single submitter. Criteria: Invitae Variant Classification Sherloc (09022015). Collection method: clinical testing. Allele origin: germline.

Blueprint Genetics
Classification: Likely benign. Last evaluated: 2024-03-05. Review status: criteria provided, single submitter. Criteria: ACMG Guidelines, 2015. Collection method: clinical testing. Allele origin: germline.

Fulgent Genetics
Classification: Likely benign for Isolated cryptophthalmia; Fraser syndrome 2. Last evaluated: 2021-08-10. Review status: criteria provided, single submitter. Criteria: ACMG Guidelines, 2015. Collection method: clinical testing. Allele origin: unknown.

Illumina Laboratory Services, Illumina
Classification: Likely benign for Fraser syndrome 2. Last evaluated: 2018-01-12. Review status: criteria provided, single submitter. Criteria: ICSL Variant Classification Criteria 13 December 2019. Collection method: clinical testing. Allele origin: germline.
Comment: This variant was observed in the ICSL laboratory as part of a predisposition screen in an ostensibly healthy population. It had not been previously curated by ICSL or reported in the Human Gene Mutation Database (HGMD: prior to June 1st, 2018), and was therefore a candidate for classification through an automated scoring system. Utilizing variant allele frequency, disease prevalence and penetrance estimates, and inheritance mode, an automated score was calculated to assess if this variant is too frequent to cause the disease. Based on the score and internal cut-off values, a variant classified as likely benign is not then subjected to further curation. The score for this variant resulted in a classification of likely benign for this disease.

Eurofins Ntd Llc (ga)
Classification: Benign. Last evaluated: 2017-02-27. Review status: criteria provided, single submitter. Criteria: EGL Classification Definitions 2015. Collection method: clinical testing. Allele origin: germline. Observed: 1 variant allele, 1 heterozygote.

PreventionGenetics, part of Exact Sciences
Classification: Benign for FREM2-related condition. Last evaluated: 2023-05-22. Review status: no assertion criteria provided. Collection method: clinical testing. Allele origin: germline. Not counted in ClinVar's aggregate classification.
Comment: This variant is classified as benign based on ACMG/AMP sequence variant interpretation guidelines (Richards et al. 2015 PMID: 25741868, with internal and published modifications).

NM_207361.6(FREM2):c.7335T>C (p.Gly2445=)

Gene: FREM2 (FRAS1 related extracellular matrix 2; plus strand). Cytogenetic location: 13q13.3.
Variant type: single nucleotide variant.
Coding change: c.7335T>C on transcript NM_207361.6 (MANE Select); coding-DNA position 7335, T replaced by C.
Protein change: p.Gly2445=; no amino-acid change (glycine 2445 retained).
Molecular consequence: synonymous variant.
Genome position (GRCh38, 1-based): chr13:38,859,406, T>C. VCF-style: chr13-38859406-T-C. GRCh37 (hg19) VCF-style: chr13-39433543-T-C.
Identifiers: ClinVar variation 312016 (VCV000312016.21), dbSNP rs141921562, ClinGen allele CA6955832.